The following is an entry in ClinVar:

ClinVar aggregate classification (germline): Likely benign (1 of 4 stars; one submission).

Conditions:
Chondrodysplasia with joint dislocations, gPAPP type. Also called: GPAPP DEFICIENCY. Identifiers: Orphanet 280586, MedGen C3279757, MONDO:0013561, OMIM 614078.

Allele frequency attached by ClinVar (database versions not stated): 1000 Genomes Project 30x 0.00375; 1000 Genomes Project 0.00379; gnomAD 0.01069 and 0.01160; TOPMed 0.01097.

Submission:

Illumina Laboratory Services, Illumina
Classification: Likely benign for Chondrodysplasia with joint dislocations, gPAPP type. Last evaluated: 2018-01-12. Review status: criteria provided, single submitter. Criteria: ICSL Variant Classification Criteria 13 December 2019. Collection method: clinical testing. Allele origin: germline.
Comment: This variant was observed in the ICSL laboratory as part of a predisposition screen in an ostensibly healthy population. It had not been previously curated by ICSL or reported in the Human Gene Mutation Database (HGMD: prior to June 1st, 2018), and was therefore a candidate for classification through an automated scoring system. Utilizing variant allele frequency, disease prevalence and penetrance estimates, and inheritance mode, an automated score was calculated to assess if this variant is too frequent to cause the disease. Based on the score and internal cut-off values, a variant classified as likely benign is not then subjected to further curation. The score for this variant resulted in a classification of likely benign for this disease.

NM_017813.5(BPNT2):c.*1651G>A

Gene: BPNT2 (3'(2'), 5'-bisphosphate nucleotidase 2; minus strand). Cytogenetic location: 8q12.1.
Variant type: single nucleotide variant.
Coding change: c.*1651G>A on transcript NM_017813.5 (MANE Select); 1651 bases downstream of the stop codon, G replaced by A.
Molecular consequence: 3 prime UTR variant.
Genome position (GRCh38, 1-based): chr8:56,962,142, C>T on the plus strand (G>A on the coding strand, the complement: BPNT2 is on the minus strand). VCF-style: chr8-56962142-C-T. GRCh37 (hg19) VCF-style: chr8-57874701-C-T.
Identifiers: ClinVar variation 363378 (VCV000363378.5), dbSNP rs146906987, ClinGen allele CA10628031.